The following is an entry in ClinVar:

NM_024675.4(PALB2):c.1292G>A (p.Ser431Asn)

Gene: PALB2 (partner and localizer of BRCA2; minus strand). Cytogenetic location: 16p12.2.
Variant type: single nucleotide variant.
Coding change: c.1292G>A on transcript NM_024675.4 (MANE Select); coding-DNA position 1292, G replaced by A.
Protein change: p.Ser431Asn; replaces serine 431 with asparagine.
Molecular consequence: missense variant.
Genome position (GRCh38, 1-based): chr16:23,635,254, C>T on the plus strand (G>A on the coding strand, the complement: PALB2 is on the minus strand). VCF-style: chr16-23635254-C-T. GRCh37 (hg19) VCF-style: chr16-23646575-C-T.
Other names: short protein forms S431N.
Identifiers: ClinVar variation 482005 (VCV000482005.20), dbSNP rs1555461357, ClinGen allele CA395132501.

ClinVar aggregate classification (germline): Conflicting classifications of pathogenicity. Review status: criteria provided, conflicting classifications (1 of 4 stars). 4 submissions from 4 submitters: Uncertain significance (3); Likely benign (1). Last evaluated 2025-06-23.

Conditions:
Hereditary cancer-predisposing syndrome. Also called: Neoplastic Syndromes, Hereditary; Tumor predisposition; Hereditary Cancer Syndrome; Hereditary neoplastic syndrome. Identifiers: Orphanet 140162, MedGen C0027672, MeSH D009386, MONDO:0015356.
Familial cancer of breast. Also called: BREAST CANCER, FAMILIAL; Hereditary breast cancer; hereditary breast carcinoma. Identifiers: Orphanet 227535, MedGen C0346153, MONDO:0016419, OMIM 114480. Disease mechanism: loss of function.

Submissions (4):

Labcorp Genetics (formerly Invitae), Labcorp
Classification: Uncertain significance for Familial cancer of breast. Last evaluated: 2025-06-23. Review status: criteria provided, single submitter. Criteria: Invitae Variant Classification Sherloc (09022015). Collection method: clinical testing. Allele origin: germline.
Comment: This sequence change replaces serine, which is neutral and polar, with asparagine, which is neutral and polar, at codon 431 of the PALB2 protein (p.Ser431Asn). This variant is not present in population databases (gnomAD no frequency). This missense change has been observed in individual(s) with hereditary breast and ovarian cancer (PMID: 29522266). ClinVar contains an entry for this variant (Variation ID: 482005). Invitae Evidence Modeling of protein sequence and biophysical properties (such as structural, functional, and spatial information, amino acid conservation, physicochemical variation, residue mobility, and thermodynamic stability) indicates that this missense variant is not expected to disrupt PALB2 protein function with a negative predictive value of 80%. In summary, the available evidence is currently insufficient to determine the role of this variant in disease. Therefore, it has been classified as a Variant of Uncertain Significance.

Ambry Genetics
Classification: Likely benign for Hereditary cancer-predisposing syndrome. Last evaluated: 2024-08-02. Review status: criteria provided, single submitter. Criteria: Ambry Variant Classification Scheme 2023. Collection method: clinical testing. Allele origin: germline.

Color Diagnostics, LLC DBA Color Health
Classification: Uncertain significance for Hereditary cancer-predisposing syndrome. Last evaluated: 2024-04-09. Review status: criteria provided, single submitter. Criteria: ACMG Guidelines, 2015. Collection method: clinical testing. Allele origin: germline.
Comment: This missense variant replaces serine with asparagine at codon 431 of the PALB2 protein. Computational prediction suggests that this variant may not impact protein structure and function. To our knowledge, functional studies have not been performed for this variant. This variant has been reported in an individual affected with breast cancer (PMID: 29522266) and in a breast cancer case-control meta-analysis in 0/60466 cases and 1/53461 unaffected individuals (PMID: 33471991; Leiden Open Variation Database DB-ID PALB2_011050). This variant has not been identified in the general population by the Genome Aggregation Database (gnomAD). The available evidence is insufficient to determine the role of this variant in disease conclusively. Therefore, this variant is classified as a Variant of Uncertain Significance.

Women's Health and Genetics/Laboratory Corporation of America, LabCorp
Classification: Uncertain significance. Last evaluated: 2017-09-19. Review status: criteria provided, single submitter. Criteria: LabCorp Variant Classification Summary - May 2015. Collection method: clinical testing. Allele origin: germline.
Comment: Variant summary: The PALB2 c.1292G>A (p.Ser431Asn) variant involves the alteration of a non-conserved nucleotide and 2/3 in silico tools (SNPsandGO and Mutation Taster not captured due to low reliability index and p-value, respectively) predict a benign outcome. However, these predictions have yet to be functionally assessed. This variant is absent in 245836 control chromosomes (gnomAD). The variant of interest has not, to our knowledge, been reported in affected individuals via publications and/or reputable databases/clinical diagnostic laboratories. Because of the absence of clinical information and the lack of functional studies, the variant is classified as a "Variant of Uncertain Significance (VUS)," until additional information becomes available.

Literature cited by the submitters: PubMed 29522266 (cited by 3 submitters); PubMed 33471991 (cited by Color Diagnostics, LLC DBA Color Health).